The following is an entry in ClinVar:

ClinVar aggregate classification (germline): Uncertain significance (1 of 4 stars; one submission).

Submission:

GeneDx
Classification: Uncertain significance. Last evaluated: 2026-03-20. Review status: criteria provided, single submitter. Criteria: GeneDx Variant Classification Process June 2021. Collection method: clinical testing. Allele origin: germline.
Comment: Observed in large population cohorts (gnomAD; internal data); Has not been previously published as pathogenic or benign to our knowledge; Frameshift variant predicted to result in protein truncation or nonsense mediated decay in a gene for which loss of function is not an established mechanism of disease

NM_001145165.2(DOHH):c.289dup (p.Ala97fs)

Gene: DOHH (deoxyhypusine hydroxylase; minus strand). Cytogenetic location: 19p13.3.
Variant type: Duplication.
Coding change: c.289dup on transcript NM_001145165.2 (MANE Select); coding-DNA position 289, one base duplicated (G; older notation c.289dupG).
Protein change: p.Ala97fs; shifts the reading frame from alanine 97.
Molecular consequence: frameshift variant.
Genome position (GRCh38, 1-based): chr19:3,494,090, C duplicated on the plus strand (G on the coding strand, the reverse complement: DOHH is on the minus strand); the first of 5 consecutive C bases (chr19:3,494,090-3,494,094); duplicating any one gives the same sequence. VCF-style (leftmost placement, unchanged base first): chr19-3494089-G-GC. GRCh37 (hg19) VCF-style: chr19-3494087-G-GC.
Other names: c.289dup, p.Ala97fs (NM_031304.5); short protein forms A97fs.
Identifiers: ClinVar variation 5009535 (VCV005009535.1).
Genomic context (GRCh38, chr19:3,494,089, plus strand): 5'-TCGATGACGGGGTCCGAGGAATACTGCTTCAGGATCTCCAGAACTTCCGGGTCCCCGATG[G>GC]CCCCCAGGGCCTCCCCTGGGAAGAAGCAGCCGGAGAGCTCATGTTGGTGGGGTGGATGTG-3'